The following is an entry in ClinVar:

ClinVar aggregate classification (germline): Uncertain significance (1 of 4 stars; one submission).

Conditions:
Early-infantile DEE. Also called: Early infantile epileptic encephalopathy; Ohtahara syndrome; Early infantile epileptic encephalopathy with suppression bursts. Identifiers: Orphanet 1934, MedGen C0393706, MONDO:0800491.

Submission:

Labcorp Genetics (formerly Invitae), Labcorp
Classification: Uncertain significance for Early-infantile DEE. Last evaluated: 2022-06-24. Review status: criteria provided, single submitter. Criteria: Invitae Variant Classification Sherloc (09022015). Collection method: clinical testing. Allele origin: germline.
Comment: In summary, the available evidence is currently insufficient to determine the role of this variant in disease. Therefore, it has been classified as a Variant of Uncertain Significance. Advanced modeling of protein sequence and biophysical properties (such as structural, functional, and spatial information, amino acid conservation, physicochemical variation, residue mobility, and thermodynamic stability) performed at Invitae indicates that this missense variant is expected to disrupt SCN1A protein function. This variant has not been reported in the literature in individuals affected with SCN1A-related conditions. This variant is not present in population databases (gnomAD no frequency). This sequence change replaces leucine, which is neutral and non-polar, with proline, which is neutral and non-polar, at codon 911 of the SCN1A protein (p.Leu911Pro).

NM_001165963.4(SCN1A):c.2732T>C (p.Leu911Pro)

Gene: SCN1A (sodium voltage-gated channel alpha subunit 1; minus strand). Cytogenetic location: 2q24.3.
Variant type: single nucleotide variant.
Coding change: c.2732T>C on transcript NM_001165963.4 (MANE Select); coding-DNA position 2732, T replaced by C.
Protein change: p.Leu911Pro; replaces leucine 911 with proline.
Molecular consequence: missense variant. On other transcripts: non-coding transcript variant (1).
Genome position (GRCh38, 1-based): chr2:166,037,990, A>G on the plus strand (T>C on the coding strand, the complement: SCN1A is on the minus strand). VCF-style: chr2-166037990-A-G. GRCh37 (hg19) VCF-style: chr2-166894500-A-G.
Other names: c.2699T>C, p.Leu900Pro (NM_001353952.2, NM_006920.6, NM_001353949.2 and 2 more transcripts); c.2696T>C, p.Leu899Pro (NM_001353954.2, NM_001353955.2); c.2648T>C, p.Leu883Pro (NM_001353957.2, NM_001353958.2, NM_001165964.3); c.2645T>C, p.Leu882Pro (NM_001353960.2); c.290T>C, p.Leu97Pro (NM_001353961.2); c.2732T>C, p.Leu911Pro (NM_001202435.3, NM_001353948.2); short protein forms L899P, L97P, L900P, L911P, L883P, L882P.
Identifiers: ClinVar variation 2010218 (VCV002010218.4), dbSNP rs2468098342, ClinGen allele CA349061502.
Genomic context (GRCh38, chr2:166,037,990, plus strand): 5'-CGTGGGAGTTGACAATCACTGGCGATCTTGCAGACACAATCTTTGTAGCTTTTACCAAAG[A>G]GCTGCATGCCGACCACGGCAAAAATGAAGACGATGATGGCCAAGACGAGGGTTAAATTTC-3'
Protein context (NP_001159435.1, residues 901-921): VFIFAVVGMQ[Leu911Pro]FGKSYKDCVC